The following is an entry in ClinVar:

ClinVar aggregate classification (germline): Uncertain significance. Review status: reviewed by expert panel (3 of 4 stars). 2 submissions from 2 submitters: Uncertain significance (1). 1 of the submissions does not count toward it. Last evaluated 2020-01-26.

Conditions:
Phenylketonuria (PKU). Also called: Phenylketonuria (PKU); FOLLING DISEASE; OLIGOPHRENIA PHENYLPYRUVICA; Phenylketonurias. Identifiers: Orphanet 716, MedGen C0031485, MONDO:0009861, OMIM 261600. Disease mechanism: loss of function.

Submissions (2):

ClinGen PAH Variant Curation Expert Panel
Classification: Uncertain significance for Phenylketonuria. Last evaluated: 2020-01-26. Review status: reviewed by expert panel. Criteria: ClinGen PAH ACMG Specifications v1. Collection method: curation. Allele origin: germline. Inheritance: Autosomal recessive inheritance.
Comment: The c.386A>T (p.Asp129Val) variant in PAH has not been reported in the literature to our knowledge. This variant is absent from 1000G, ESP, ExAC and gnomAD (PM2). A deleterious effect is predicted in SIFT, Polyphen-2, MutationTaster, and REVEL=0.986 (PM3). The (p.Asp129Gly) variant is likely pathogenic by 1 submitter and PAH VCEP (PM5). In summary, this variant meets criteria to be classified as uncertain significance for PAH. PAH-specific ACMG/AMP criteria applied: PM2, PM5, PP3.

DeBelle Laboratory for Biochemical Genetics, MUHC/MCH RESEARCH INSTITUTE
No classification provided. Review status: no classification provided. Collection method: not provided. Allele origin: not provided. Not counted in ClinVar's aggregate classification.

NM_000277.3(PAH):c.386A>T (p.Asp129Val)

Gene: PAH (phenylalanine hydroxylase; minus strand). Cytogenetic location: 12q23.2.
Variant type: single nucleotide variant.
Coding change: c.386A>T on transcript NM_000277.3 (MANE Select); coding-DNA position 386, A replaced by T.
Protein change: p.Asp129Val; replaces aspartic acid 129 with valine.
Molecular consequence: missense variant.
Genome position (GRCh38, 1-based): chr12:102,877,517, T>A on the plus strand (A>T on the coding strand, the complement: PAH is on the minus strand). VCF-style: chr12-102877517-T-A. GRCh37 (hg19) VCF-style: chr12-103271295-T-A.
Other names: c.386A>T, p.Asp129Val (NM_001354304.2); short protein forms D129V.
Identifiers: ClinVar variation 102662 (VCV000102662.2), dbSNP rs199475623, ClinGen allele CA229529.